The following is an entry in ClinVar:

NM_015443.4(KANSL1):c.2581G>T (p.Asp861Tyr)

Gene: KANSL1 (KAT8 regulatory NSL complex subunit 1). Cytogenetic location: 17q21.31.
Variant type: single nucleotide variant.
Coding change: c.2581G>T on transcript NM_015443.4 (MANE Select); coding-DNA position 2581, G replaced by T.
Protein change: p.Asp861Tyr; replaces aspartic acid 861 with tyrosine.
Molecular consequence: missense variant.
Genome position (GRCh38, 1-based): chr17:46,034,246, C>A on the plus strand (G>T on the coding strand, the complement: KANSL1 is on the minus strand). VCF-style: chr17-46034246-C-A. GRCh37 (hg19) VCF-style: chr17-44111612-C-A.
Other names: c.2578G>T, p.Asp860Tyr (NM_001193465.2, NM_001405856.1, NM_001405857.1 and 1 more transcripts); c.2581G>T, p.Asp861Tyr (NM_001193466.2, NM_001379198.1, NM_001405854.1 and 4 more transcripts); c.2479G>T, p.Asp827Tyr (NM_001405859.1, NM_001405860.1); c.2476G>T, p.Asp826Tyr (NM_001405861.1, NM_001405881.1); c.2392G>T, p.Asp798Tyr (NM_001405875.1, NM_001405876.1, NM_001405877.1 and 1 more transcripts); c.2389G>T, p.Asp797Tyr (NM_001405879.1, NM_001405880.1); c.1315G>T, p.Asp439Tyr (NM_001405882.1); c.1312G>T, p.Asp438Tyr (NM_001405883.1); and 2 more; short protein forms D375Y, D376Y, D438Y, D439Y, D797Y, D798Y, D826Y, D827Y.
Identifiers: ClinVar variation 3360074 (VCV003360074.1).

ClinVar aggregate classification (germline): Uncertain significance (1 of 4 stars; one submission).

Submission:

GeneDx
Classification: Uncertain significance. Last evaluated: 2023-06-23. Review status: criteria provided, single submitter. Criteria: GeneDx Variant Classification Process June 2021. Collection method: clinical testing. Allele origin: germline. Affected: yes.
Comment: Not observed at significant frequency in large population cohorts (gnomAD); In silico analysis supports that this missense variant has a deleterious effect on protein structure/function; Has not been previously published as pathogenic or benign to our knowledge